The following is an entry in ClinVar:

ClinVar aggregate classification (germline): Uncertain significance (1 of 4 stars; one submission).

Conditions:
STING-associated vasculopathy with onset in infancy. Also called: Sting-associated vasculopathy, infantile-onset. Identifiers: Orphanet 425120, MedGen C4014722, MONDO:0014405, OMIM 615934.

Submission:

Labcorp Genetics (formerly Invitae), Labcorp
Classification: Uncertain significance for STING-associated vasculopathy with onset in infancy. Last evaluated: 2024-01-29. Review status: criteria provided, single submitter. Criteria: Invitae Variant Classification Sherloc (09022015). Collection method: clinical testing. Allele origin: germline.
Comment: This sequence change replaces leucine, which is neutral and non-polar, with phenylalanine, which is neutral and non-polar, at codon 109 of the TMEM173 protein (p.Leu109Phe). This variant is not present in population databases (gnomAD no frequency). This variant has not been reported in the literature in individuals affected with TMEM173-related conditions. Advanced modeling of protein sequence and biophysical properties (such as structural, functional, and spatial information, amino acid conservation, physicochemical variation, residue mobility, and thermodynamic stability) performed at Invitae indicates that this missense variant is not expected to disrupt TMEM173 protein function with a negative predictive value of 80%. In summary, the available evidence is currently insufficient to determine the role of this variant in disease. Therefore, it has been classified as a Variant of Uncertain Significance.

NM_198282.4(STING1):c.325C>T (p.Leu109Phe)

Genes: STING1 (stimulator of interferon response cGAMP interactor 1; minus strand), LOC123522803 (Sharpr-MPRA regulatory region 11914; plus strand). Cytogenetic location: 5q31.2.
Variant type: single nucleotide variant.
Coding change: c.325C>T on transcript NM_198282.4 (MANE Select); coding-DNA position 325, C replaced by T.
Protein change: p.Leu109Phe; replaces leucine 109 with phenylalanine.
Molecular consequence: missense variant. On other transcripts: 5 prime UTR variant (1).
Genome position (GRCh38, 1-based): chr5:139,481,245, G>A on the plus strand (C>T on the coding strand, the complement: STING1 is on the minus strand). VCF-style: chr5-139481245-G-A. GRCh37 (hg19) VCF-style: chr5-138860830-G-A.
Other names: c.325C>T, p.Leu109Phe (NM_001301738.2); c.-33C>T (NM_001367258.1); short protein forms L109F.
Identifiers: ClinVar variation 2747305 (VCV002747305.3), dbSNP rs2547065986, ClinGen allele CA361481331.
Genomic context (GRCh38, chr5:139,481,245, plus strand): 5'-CCTGCGAGAGGCCCAGGAGGGCAAGCATCCAAGTGAAGGGCGGGCCGACCGCATTTGGGA[G>A]GGAGTAGTAGAAATAGATGGACAGCAGCAACAGGGCCCCACGGCGGAGGGGGCAGCCCAG-3'
Protein context (NP_938023.1, residues 99-119): LLLSIYFYYS[Leu109Phe]PNAVGPPFTW